The following is an entry in ClinVar:

NM_000553.6(WRN):c.2329A>G (p.Thr777Ala)

Gene: WRN (WRN RecQ like helicase; plus strand). Cytogenetic location: 8p12.
Variant type: single nucleotide variant.
Coding change: c.2329A>G on transcript NM_000553.6 (MANE Select); coding-DNA position 2329, A replaced by G.
Protein change: p.Thr777Ala; replaces threonine 777 with alanine.
Molecular consequence: missense variant.
Genome position (GRCh38, 1-based): chr8:31,116,409, A>G. VCF-style: chr8-31116409-A-G. GRCh37 (hg19) VCF-style: chr8-30973925-A-G.
Other names: short protein forms T777A.
Identifiers: ClinVar variation 1948960 (VCV001948960.5), dbSNP rs2535978375, ClinGen allele CA370913535.

ClinVar aggregate classification (germline): Uncertain significance (1 of 4 stars; one submission).

Conditions:
Werner syndrome (WRN). Identifiers: Orphanet 902, MedGen C0043119, MONDO:0010196, OMIM 277700.

Submission:

Labcorp Genetics (formerly Invitae), Labcorp
Classification: Uncertain significance for Werner syndrome. Last evaluated: 2022-03-20. Review status: criteria provided, single submitter. Criteria: Invitae Variant Classification Sherloc (09022015). Collection method: clinical testing. Allele origin: germline.
Comment: In summary, the available evidence is currently insufficient to determine the role of this variant in disease. Therefore, it has been classified as a Variant of Uncertain Significance. Algorithms developed to predict the effect of missense changes on protein structure and function are either unavailable or do not agree on the potential impact of this missense change (SIFT: "Not Available"; PolyPhen-2: "Possibly Damaging"; Align-GVGD: "Not Available"). This variant has not been reported in the literature in individuals affected with WRN-related conditions. This variant is not present in population databases (gnomAD no frequency). This sequence change replaces threonine, which is neutral and polar, with alanine, which is neutral and non-polar, at codon 777 of the WRN protein (p.Thr777Ala).